The following is an entry in ClinVar:

NM_004360.5(CDH1):c.788C>A (p.Thr263Asn)

Gene: CDH1 (cadherin 1; plus strand). Cytogenetic location: 16q22.1.
Variant type: single nucleotide variant.
Coding change: c.788C>A on transcript NM_004360.5 (MANE Select); coding-DNA position 788, C replaced by A.
Protein change: p.Thr263Asn; replaces threonine 263 with asparagine.
Molecular consequence: missense variant. On other transcripts: 5 prime UTR variant (2).
Genome position (GRCh38, 1-based): chr16:68,810,297, C>A. VCF-style: chr16-68810297-C-A. GRCh37 (hg19) VCF-style: chr16-68844200-C-A.
Other names: c.788C>A, p.Thr263Asn (NM_001317184.2); c.-828C>A (NM_001317185.2); c.-1032C>A (NM_001317186.2); short protein forms T263N.
Identifiers: ClinVar variation 918907 (VCV000918907.4), dbSNP rs1555515456, ClinGen allele CA396458757.

ClinVar aggregate classification (germline): Uncertain significance (1 of 4 stars; one submission).

Conditions:
Hereditary cancer-predisposing syndrome. Also called: Neoplastic Syndromes, Hereditary; Tumor predisposition; Hereditary Cancer Syndrome; Hereditary neoplastic syndrome. Identifiers: Orphanet 140162, MedGen C0027672, MeSH D009386, MONDO:0015356.

Submission:

Color Diagnostics, LLC DBA Color Health
Classification: Uncertain significance for Hereditary cancer-predisposing syndrome. Last evaluated: 2024-03-06. Review status: criteria provided, single submitter. Criteria: ACMG Guidelines, 2015. Collection method: clinical testing. Allele origin: germline.
Comment: This missense variant replaces threonine with asparagine at codon 263 of the CDH1 protein. Computational prediction tool suggests that this variant may not impact protein structure and function (internally defined REVEL score threshold <=0.5, PMID: 27666373). Splice site prediction tools suggest that this variant may not impact RNA splicing. To our knowledge, functional studies have not been performed for this variant. This variant has not been reported in individuals affected with hereditary cancer in the literature. This variant has not been identified in the general population by the Genome Aggregation Database (gnomAD). The available evidence is insufficient to determine the role of this variant in disease conclusively. Therefore, this variant is classified as a Variant of Uncertain Significance.